The following is an entry in ClinVar:

NM_003246.4(THBS1):c.1393C>T (p.Pro465Ser)

Gene: THBS1 (thrombospondin 1; plus strand). Cytogenetic location: 15q14.
Variant type: single nucleotide variant.
Coding change: c.1393C>T on transcript NM_003246.4 (MANE Select); coding-DNA position 1393, C replaced by T.
Protein change: p.Pro465Ser; replaces proline 465 with serine.
Molecular consequence: missense variant.
Genome position (GRCh38, 1-based): chr15:39,588,140, C>T. VCF-style: chr15-39588140-C-T. GRCh37 (hg19) VCF-style: chr15-39880341-C-T.
Other names: short protein forms P465S.
Identifiers: ClinVar variation 5000519 (VCV005000519.1).

ClinVar aggregate classification (germline): Uncertain significance (1 of 4 stars; one submission).

Conditions:
THBS1-related disorder. Also called: THBS1-related condition.

Submission:

PreventionGenetics, part of Exact Sciences
Classification: Uncertain significance for THBS1-related condition. Last evaluated: 2024-12-26. Review status: criteria provided, single submitter. Criteria: ACMG Guidelines, 2015. Collection method: clinical testing. Allele origin: germline.
Comment: The THBS1 c.1393C>T variant is predicted to result in the amino acid substitution p.Pro465Ser. To our knowledge, this variant has not been reported in the literature or in a large population database (gnomAD), indicating this variant is rare. At this time, the clinical significance of this variant is uncertain due to the absence of conclusive functional and genetic evidence.